The following is an entry in ClinVar:

NM_004380.3(CREBBP):c.5467A>T (p.Ile1823Phe)

Gene: CREBBP (CREB binding lysine acetyltransferase; minus strand). Cytogenetic location: 16p13.3.
Variant type: single nucleotide variant.
Coding change: c.5467A>T on transcript NM_004380.3 (MANE Select); coding-DNA position 5467, A replaced by T.
Protein change: p.Ile1823Phe; replaces isoleucine 1823 with phenylalanine.
Molecular consequence: missense variant.
Genome position (GRCh38, 1-based): chr16:3,729,580, T>A on the plus strand (A>T on the coding strand, the complement: CREBBP is on the minus strand). VCF-style: chr16-3729580-T-A. GRCh37 (hg19) VCF-style: chr16-3779581-T-A.
Other names: c.5353A>T, p.Ile1785Phe (NM_001079846.1); short protein forms I1823F, I1785F.
Identifiers: ClinVar variation 2702973 (VCV002702973.3), dbSNP rs2151310559, ClinGen allele CA394556258.
Genomic context (GRCh38, chr16:3,729,580, plus strand): 5'-AGAAGGGCACGGGGCATTTGTTTTCTTGGCAGTGCTTGGCGTGGTAGCAGCAGAGGGCGA[T>A]GAGCTGCTTGCACACCGGGCAGCCCCCGTTGGTCTTGCGTTTGCAGCCCTTGGTGTGCTG-3'
Protein context (NP_004371.2, residues 1813-1833): NGGCPVCKQL[Ile1823Phe]ALCCYHAKHC

ClinVar aggregate classification (germline): Uncertain significance (1 of 4 stars; one submission).

Conditions:
Rubinstein-Taybi syndrome (RSTS). Identifiers: Orphanet 783, MedGen C0035934, MONDO:0019188.

Submission:

Labcorp Genetics (formerly Invitae), Labcorp
Classification: Uncertain significance for Rubinstein-Taybi syndrome. Last evaluated: 2024-04-26. Review status: criteria provided, single submitter. Criteria: Invitae Variant Classification Sherloc (09022015). Collection method: clinical testing. Allele origin: germline.
Comment: This sequence change replaces isoleucine, which is neutral and non-polar, with phenylalanine, which is neutral and non-polar, at codon 1823 of the CREBBP protein (p.Ile1823Phe). This variant is not present in population databases (gnomAD no frequency). This variant has not been reported in the literature in individuals affected with CREBBP-related conditions. Advanced modeling of protein sequence and biophysical properties (such as structural, functional, and spatial information, amino acid conservation, physicochemical variation, residue mobility, and thermodynamic stability) performed at Invitae indicates that this missense variant is expected to disrupt CREBBP protein function with a positive predictive value of 95%. In summary, the available evidence is currently insufficient to determine the role of this variant in disease. Therefore, it has been classified as a Variant of Uncertain Significance.